The following is an entry in ClinVar:

NM_000719.7(CACNA1C):c.1365C>T (p.Gly455=)

Gene: CACNA1C (calcium voltage-gated channel subunit alpha1 C; plus strand). Cytogenetic location: 12p13.33.
Variant type: single nucleotide variant.
Coding change: c.1365C>T on transcript NM_000719.7 (MANE Select); coding-DNA position 1365, C replaced by T.
Protein change: p.Gly455=; no amino-acid change (glycine 455 retained).
Molecular consequence: synonymous variant.
Genome position (GRCh38, 1-based): chr12:2,512,959, C>T. VCF-style: chr12-2512959-C-T. GRCh37 (hg19) VCF-style: chr12-2622125-C-T.
Other names: c.1365C>T, p.Gly455= (NM_001129843.2, NM_001129846.2, NM_001167623.2 and 18 more transcripts); c.1356C>T, p.Gly452= (NM_001129844.2).
Identifiers: ClinVar variation 2831198 (VCV002831198.3), dbSNP rs2507196840, ClinGen allele CA477878136.

ClinVar aggregate classification (germline): Uncertain significance (1 of 4 stars; one submission).

Conditions:
Long QT syndrome (LQTS). Identifiers: MedGen C0023976, MeSH D008133, MONDO:0002442. Disease mechanism: loss of function. Inheritance: Various modes of inheritance.

Submission:

Labcorp Genetics (formerly Invitae), Labcorp
Classification: Uncertain significance for Long QT syndrome. Last evaluated: 2023-01-22. Review status: criteria provided, single submitter. Criteria: Invitae Variant Classification Sherloc (09022015). Collection method: clinical testing. Allele origin: germline.
Comment: This sequence change affects codon 455 of the CACNA1C mRNA. It is a 'silent' change, meaning that it does not change the encoded amino acid sequence of the CACNA1C protein. This variant is not present in population databases (gnomAD no frequency). This variant has not been reported in the literature in individuals affected with CACNA1C-related conditions. Algorithms developed to predict the effect of sequence changes on RNA splicing suggest that this variant may disrupt the consensus splice site. In summary, the available evidence is currently insufficient to determine the role of this variant in disease. Therefore, it has been classified as a Variant of Uncertain Significance.